The following is an entry in ClinVar:

NM_001142800.2(EYS):c.9380_9383del (p.Ile3127fs)

Genes: EYS (EGF-like photoreceptor maintenance factor; minus strand), PHF3 (PHD finger protein 3; plus strand). Cytogenetic location: 6q12.
Variant type: Deletion.
Coding change: c.9380_9383del on transcript NM_001142800.2 (MANE Select); coding-DNA positions 9380 to 9383, 4 bases deleted (TTAA; older notation c.9380_9383delTTAA).
Protein change: p.Ile3127fs; shifts the reading frame from isoleucine 3127.
Molecular consequence: frameshift variant. On other transcripts: 3 prime UTR variant (5).
Genome position (GRCh38, 1-based): chr6:63,720,648-63,720,651, TTAA deleted on the plus strand (TTAA on the coding strand, the reverse complement: EYS is on the minus strand); deleting any 4 consecutive bases within chr6:63,720,648-63,720,654 gives the same sequence; the c. name uses the placement nearest the transcript's 3' end. VCF-style (leftmost placement, unchanged base first): chr6-63720647-TTTAA-T. GRCh37 (hg19) VCF-style: chr6-64430543-TTTAA-T.
Other names: c.*6943_*6946del (NM_001290259.2, NM_001370348.2, NM_001370349.2 and 2 more transcripts); c.9443_9446del, p.Ile3148fs (NM_001292009.2); short protein forms I3127fs, I3148fs.
Identifiers: ClinVar variation 2675321 (VCV002675321.6), dbSNP rs1373607946, ClinGen allele CA568118965.

ClinVar aggregate classification (germline): Pathogenic/Likely pathogenic. Review status: criteria provided, multiple submitters, no conflicts (2 of 4 stars). 3 submissions from 3 submitters: Pathogenic (1); Likely pathogenic (2). Last evaluated 2024-03-24.

Conditions:
Retinitis pigmentosa 25 (RP25). Identifiers: Orphanet 791, MedGen C1864446, MONDO:0011272, OMIM 602772.
EYS-related disorder. Also called: EYS-related condition.

Submissions (3):

Baylor Genetics
Classification: Likely pathogenic for Retinitis pigmentosa 25. Last evaluated: 2024-03-24. Review status: criteria provided, single submitter. Criteria: ACMG Guidelines, 2015. Collection method: clinical testing. Allele origin: unknown.

Labcorp Genetics (formerly Invitae), Labcorp
Classification: Pathogenic. Last evaluated: 2023-09-08. Review status: criteria provided, single submitter. Criteria: Invitae Variant Classification Sherloc (09022015). Collection method: clinical testing. Allele origin: germline.
Comment: This sequence change creates a premature translational stop signal (p.Ile3127Asnfs*2) in the EYS gene. While this is not anticipated to result in nonsense mediated decay, it is expected to disrupt the last 18 amino acid(s) of the EYS protein. This variant is present in population databases (no rsID available, gnomAD 0.002%). This premature translational stop signal has been observed in individual(s) with retinitis pigmentosa (PMID: 30804660, 31054281). This variant disrupts a region of the EYS protein in which other variant(s) (p.Tyr3135*) have been determined to be pathogenic (PMID: 18976725, 30337596). This suggests that this is a clinically significant region of the protein, and that variants that disrupt it are likely to be disease-causing. For these reasons, this variant has been classified as Pathogenic.

Blueprint Genetics
Classification: Likely pathogenic for EYS-related disorders. Last evaluated: 2019-03-07. Review status: criteria provided, single submitter. Criteria: ACMG Guidelines, 2015. Collection method: clinical testing. Allele origin: germline. Affected: yes. Observed: 1 variant allele.

Literature cited by the submitters: PubMed 30804660 (cited by Labcorp Genetics (formerly Invitae), Labcorp); PubMed 31054281 (cited by Labcorp Genetics (formerly Invitae), Labcorp); PubMed 18976725 (cited by Labcorp Genetics (formerly Invitae), Labcorp); PubMed 30337596 (cited by Labcorp Genetics (formerly Invitae), Labcorp).